The following is an entry in ClinVar:

ClinVar aggregate classification (germline): Uncertain significance (1 of 4 stars; one submission).

Conditions:
Dyskeratosis congenita. Identifiers: Orphanet 1775, MedGen C0265965, MONDO:0015780.

Allele frequency attached by ClinVar (database versions not stated): gnomAD exomes below 0.00001.
gnomAD v4.1: 2 of 1,614,190 alleles (0.00012%); highest among the groups gnomAD compares: South Asian, 0.0011%; no homozygotes.

Submission:

Labcorp Genetics (formerly Invitae), Labcorp
Classification: Uncertain significance for Dyskeratosis congenita. Last evaluated: 2022-06-22. Review status: criteria provided, single submitter. Criteria: Invitae Variant Classification Sherloc (09022015). Collection method: clinical testing. Allele origin: germline.
Comment: In summary, the available evidence is currently insufficient to determine the role of this variant in disease. Therefore, it has been classified as a Variant of Uncertain Significance. Algorithms developed to predict the effect of missense changes on protein structure and function are either unavailable or do not agree on the potential impact of this missense change (SIFT: "Deleterious"; PolyPhen-2: "Probably Damaging"; Align-GVGD: "Class C0"). This variant has not been reported in the literature in individuals affected with CTC1-related conditions. This variant is present in population databases (no rsID available, gnomAD 0.003%). This sequence change replaces cysteine, which is neutral and slightly polar, with arginine, which is basic and polar, at codon 1146 of the CTC1 protein (p.Cys1146Arg).

NM_025099.6(CTC1):c.3436T>C (p.Cys1146Arg)

Gene: CTC1 (CST telomere replication complex component 1; minus strand). Cytogenetic location: 17p13.1.
Variant type: single nucleotide variant.
Coding change: c.3436T>C on transcript NM_025099.6 (MANE Select); coding-DNA position 3436, T replaced by C.
Protein change: p.Cys1146Arg; replaces cysteine 1146 with arginine.
Molecular consequence: missense variant. On other transcripts: non-coding transcript variant (1).
Genome position (GRCh38, 1-based): chr17:8,228,581, A>G on the plus strand (T>C on the coding strand, the complement: CTC1 is on the minus strand). VCF-style: chr17-8228581-A-G. GRCh37 (hg19) VCF-style: chr17-8131899-A-G.
Other names: c.3205T>C, p.Cys1069Arg (NM_001411067.1); short protein forms C1069R, C1146R.
Identifiers: ClinVar variation 2144497 (VCV002144497.4), dbSNP rs1174942042, ClinGen allele CA397968604.